The following is an entry in ClinVar:

NM_003322.6(TULP1):c.100C>A (p.Arg34=)

Gene: TULP1 (TUB like protein 1; minus strand). Cytogenetic location: 6p21.31.
Variant type: single nucleotide variant.
Coding change: c.100C>A on transcript NM_003322.6 (MANE Select); coding-DNA position 100, C replaced by A.
Protein change: p.Arg34=; no amino-acid change (arginine 34 retained).
Molecular consequence: synonymous variant.
Genome position (GRCh38, 1-based): chr6:35,512,270, G>T on the plus strand (C>A on the coding strand, the complement: TULP1 is on the minus strand). VCF-style: chr6-35512270-G-T. GRCh37 (hg19) VCF-style: chr6-35480047-G-T.
Other names: c.100C>A, p.Arg34= (NM_001289395.2).
Identifiers: ClinVar variation 1408795 (VCV001408795.5), dbSNP rs1331834680, ClinGen allele CA449944412.
Genomic context (GRCh38, chr6:35,512,270, plus strand): 5'-GGCAGGGGGATTCGGGGGCCTCCGTCCTCTTCTTCCTTAGCCTCTGTGCCGGGGCGGGTC[G>T]CTGCGGAACGGGGGTCAAGAGGAGGTCGAGGAAGGAAAGGGGGGCGCTGAGGCCCGCCCA-3'
Protein context (NP_003313.3, residues 24-44): SPEAPRRPKQ[Arg34=]PAPAQRLRKK

ClinVar aggregate classification (germline): Uncertain significance (1 of 4 stars; one submission).

Allele frequency attached by ClinVar (database versions not stated): TOPMed 0.00001.
gnomAD v4.1: 2 of 1,388,540 alleles (0.00014%); no homozygotes.

Submission:

Labcorp Genetics (formerly Invitae), Labcorp
Classification: Uncertain significance. Last evaluated: 2021-08-13. Review status: criteria provided, single submitter. Criteria: Invitae Variant Classification Sherloc (09022015). Collection method: clinical testing. Allele origin: germline.
Comment: This sequence change affects codon 34 of the TULP1 mRNA. It is a 'silent' change, meaning that it does not change the encoded amino acid sequence of the TULP1 protein. It affects a nucleotide within the consensus splice site of the intron. The frequency data for this variant in the population databases is considered unreliable, as metrics indicate insufficient coverage at this position in the ExAC database. This variant has not been reported in the literature in individuals affected with TULP1-related conditions. Algorithms developed to predict the effect of sequence changes on RNA splicing suggest that this variant is not likely to affect RNA splicing. In summary, the available evidence is currently insufficient to determine the role of this variant in disease. Therefore, it has been classified as a Variant of Uncertain Significance.